The following is an entry in ClinVar:

NM_001130144.3(LTBP3):c.3379C>T (p.Pro1127Ser)

Genes: LTBP3 (latent transforming growth factor beta binding protein 3; minus strand), LOC130006027 (ATAC-STARR-seq lymphoblastoid silent region 3530; plus strand). Cytogenetic location: 11q13.1.
Variant type: single nucleotide variant.
Coding change: c.3379C>T on transcript NM_001130144.3 (MANE Select); coding-DNA position 3379, C replaced by T.
Protein change: p.Pro1127Ser; replaces proline 1127 with serine.
Molecular consequence: missense variant. On other transcripts: intron variant (2).
Genome position (GRCh38, 1-based): chr11:65,540,019, G>A on the plus strand (C>T on the coding strand, the complement: LTBP3 is on the minus strand). VCF-style: chr11-65540019-G-A. GRCh37 (hg19) VCF-style: chr11-65307490-G-A.
Other names: c.2894-138C>T (NM_001164266.1); c.3245-138C>T (NM_021070.4); short protein forms P1127S.
Identifiers: ClinVar variation 4720517 (VCV004720517.2).

ClinVar aggregate classification (germline): Uncertain significance. Review status: criteria provided, multiple submitters, no conflicts (2 of 4 stars). 2 submissions from 2 submitters: Uncertain significance (2). Last evaluated 2025-04-13.

Conditions:
Brachyolmia-amelogenesis imperfecta syndrome. Also called: PLATYSPONDYLY WITH AMELOGENESIS IMPERFECTA; Tooth agenesis, selective, 6; Dental anomalies and short stature. Identifiers: Orphanet 2899, MedGen C1832594, MONDO:0011018, OMIM 601216. Disease mechanism: loss of function.

gnomAD v4.1: 10 of 1,500,966 alleles (0.00067%); highest among the groups gnomAD compares: Non-Finnish European, 0.00088%; no homozygotes.

Submissions (2):

Labcorp Genetics (formerly Invitae), Labcorp
Classification: Uncertain significance for Brachyolmia-amelogenesis imperfecta syndrome. Last evaluated: 2025-04-13. Review status: criteria provided, single submitter. Criteria: Invitae Variant Classification Sherloc (09022015). Collection method: clinical testing. Allele origin: germline.
Comment: This sequence change replaces proline, which is neutral and non-polar, with serine, which is neutral and polar, at codon 1127 of the LTBP3 protein (p.Pro1127Ser). This variant is present in population databases (no rsID available, gnomAD 0.003%). This variant has not been reported in the literature in individuals affected with LTBP3-related conditions. An algorithm developed to predict the effect of missense changes on protein structure and function (PolyPhen-2) suggests that this variant is likely to be tolerated. In summary, the available evidence is currently insufficient to determine the role of this variant in disease. Therefore, it has been classified as a Variant of Uncertain Significance.

Blueprint Genetics
Classification: Uncertain significance. Last evaluated: 2020-11-20. Review status: criteria provided, single submitter. Criteria: ACMG Guidelines, 2015. Collection method: clinical testing. Allele origin: germline.